The following is an entry in ClinVar:

NM_000018.4(ACADVL):c.1754C>A (p.Ala585Asp)

Gene: ACADVL (acyl-CoA dehydrogenase very long chain; plus strand). Cytogenetic location: 17p13.1.
Variant type: single nucleotide variant.
Coding change: c.1754C>A on transcript NM_000018.4 (MANE Select); coding-DNA position 1754, C replaced by A.
Protein change: p.Ala585Asp; replaces alanine 585 with aspartic acid.
Molecular consequence: missense variant.
Genome position (GRCh38, 1-based): chr17:7,224,811, C>A. VCF-style: chr17-7224811-C-A. GRCh37 (hg19) VCF-style: chr17-7128130-C-A.
Other names: c.1688C>A, p.Ala563Asp (NM_001033859.3); c.1823C>A, p.Ala608Asp (NM_001270447.2); c.1526C>A, p.Ala509Asp (NM_001270448.2); short protein forms A585D, A509D, A608D, A563D.
Identifiers: ClinVar variation 1356771 (VCV001356771.5), dbSNP rs374729641, ClinGen allele CA397725813.

ClinVar aggregate classification (germline): Uncertain significance (1 of 4 stars; one submission).

Conditions:
Very long chain acyl-CoA dehydrogenase deficiency (ACADVLD). Also called: Very Long-Chain Acyl-Coenzyme A Dehydrogenase Deficiency; VLCAD Deficiency. Identifiers: Orphanet 26793, MedGen C3887523, MONDO:0008723, OMIM 201475.

Submission:

Labcorp Genetics (formerly Invitae), Labcorp
Classification: Uncertain significance for Very long chain acyl-CoA dehydrogenase deficiency. Last evaluated: 2021-09-02. Review status: criteria provided, single submitter. Criteria: Invitae Variant Classification Sherloc (09022015). Collection method: clinical testing. Allele origin: germline.
Comment: This sequence change replaces alanine with aspartic acid at codon 585 of the ACADVL protein (p.Ala585Asp). The alanine residue is highly conserved and there is a moderate physicochemical difference between alanine and aspartic acid. This variant is not present in population databases (ExAC no frequency). This variant has not been reported in the literature in individuals affected with ACADVL-related conditions. Algorithms developed to predict the effect of missense changes on protein structure and function are either unavailable or do not agree on the potential impact of this missense change (SIFT: "Deleterious"; PolyPhen-2: "Probably Damaging"; Align-GVGD: "Class C0"). In summary, the available evidence is currently insufficient to determine the role of this variant in disease. Therefore, it has been classified as a Variant of Uncertain Significance.